The following is an entry in ClinVar:

NM_015102.5(NPHP4):c.3064G>A (p.Glu1022Lys)

Gene: NPHP4 (nephrocystin 4; minus strand). Cytogenetic location: 1p36.31.
Variant type: single nucleotide variant.
Coding change: c.3064G>A on transcript NM_015102.5 (MANE Select); coding-DNA position 3064, G replaced by A.
Protein change: p.Glu1022Lys; replaces glutamic acid 1022 with lysine.
Molecular consequence: missense variant. On other transcripts: non-coding transcript variant (1).
Genome position (GRCh38, 1-based): chr1:5,874,638, C>T on the plus strand (G>A on the coding strand, the complement: NPHP4 is on the minus strand). VCF-style: chr1-5874638-C-T. GRCh37 (hg19) VCF-style: chr1-5934698-C-T.
Other names: c.1525G>A, p.Glu509Lys (NM_001291593.2); c.1528G>A, p.Glu510Lys (NM_001291594.2); short protein forms E509K, E510K, E1022K.
Identifiers: ClinVar variation 4982867 (VCV004982867.1).

ClinVar aggregate classification (germline): Uncertain significance (1 of 4 stars; one submission).

Conditions:
NPHP4-related disorder. Also called: NPHP4-related disorders; NPHP4-related condition. Identifiers: MedGen CN239384.

gnomAD v4.1: 46 of 1,611,924 alleles (0.0029%); highest among the groups gnomAD compares: Non-Finnish European, 0.0039%; no homozygotes.

Submission:

PreventionGenetics, part of Exact Sciences
Classification: Uncertain significance for NPHP4-related condition. Last evaluated: 2026-02-17. Review status: criteria provided, single submitter. Criteria: ACMG Guidelines, 2015. Collection method: clinical testing. Allele origin: germline.
Comment: The NPHP4 c.3064G>A variant is predicted to result in the amino acid substitution p.Glu1022Lys. To our knowledge, this variant has not been reported in the literature. This variant is reported in 0.0018% of alleles in individuals of European (Non-Finnish) descent in gnomAD. At this time, the clinical significance of this variant is uncertain due to the absence of conclusive functional and genetic evidence.